The following is an entry in ClinVar:

ClinVar aggregate classification (germline): Pathogenic (1 of 4 stars; one submission).

Conditions:
Developmental delay, hypotonia, musculoskeletal defects, and behavioral abnormalities. Identifiers: MedGen C5562012, MONDO:0859202, OMIM 619595.

Submission:

Women's Health and Genetics/Laboratory Corporation of America, LabCorp
Classification: Pathogenic for Developmental delay, hypotonia, musculoskeletal defects, and behavioral abnormalities. Last evaluated: 2026-06-04. Review status: criteria provided, single submitter. Criteria: LabCorp Variant Classification Summary - May 2015. Collection method: clinical testing. Allele origin: germline.
Comment: Variant summary: SRCAP c.6784_6808del25 (p.Ala2262AsnfsX37) results in a premature termination codon, predicted to cause a truncation of the encoded protein or absence of the protein due to nonsense mediated decay, which are commonly known mechanisms for disease. The variant was absent in 251462 control chromosomes. c.6784_6808del25 has been observed as a de novo occurrence in at least one individual with clinical symptoms consistent with Developmental delay, hypotonia, musculoskeletal defects, and behavioral abnormalities (internal testing). To our knowledge, no experimental evidence demonstrating an impact on protein function has been reported. No submitters have cited clinical-significance assessments for this variant to ClinVar. Based on the evidence outlined above, the variant was classified as pathogenic.

NM_006662.3(SRCAP):c.6784_6808del (p.Ala2262fs)

Gene: SRCAP (Snf2 related CREBBP activator protein; plus strand). Cytogenetic location: 16p11.2.
Variant type: Deletion.
Coding change: c.6784_6808del on transcript NM_006662.3 (MANE Select); coding-DNA positions 6784 to 6808, 25 bases deleted (GCTGAACAGGTGGCTGAGCTTGCAG).
Protein change: p.Ala2262fs; shifts the reading frame from alanine 2262.
Molecular consequence: frameshift variant.
Genome position (GRCh38, 1-based): chr16:30,736,254-30,736,278, GCTGAACAGGTGGCTGAGCTTGCAG deleted; deleting any 25 consecutive bases within chr16:30,736,252-30,736,278 gives the same sequence; the c. name uses the placement nearest the transcript's 3' end. VCF-style (leftmost placement, unchanged base first): chr16-30736251-AAGGCTGAACAGGTGGCTGAGCTTGC-A. GRCh37 (hg19) VCF-style: chr16-30747572-AAGGCTGAACAGGTGGCTGAGCTTGC-A.
Other names: c.6784_6808del25 (NM_006662.3); short protein forms A2262fs.
Identifiers: ClinVar variation 4887502 (VCV004887502.1).